The following is an entry in ClinVar:

NM_001134831.2(AHI1):c.155A>G (p.Asn52Ser)

Gene: AHI1 (Abelson helper integration site 1; minus strand). Cytogenetic location: 6q23.3.
Variant type: single nucleotide variant.
Coding change: c.155A>G on transcript NM_001134831.2 (MANE Select); coding-DNA position 155, A replaced by G.
Protein change: p.Asn52Ser; replaces asparagine 52 with serine.
Molecular consequence: missense variant.
Genome position (GRCh38, 1-based): chr6:135,467,615, T>C on the plus strand (A>G on the coding strand, the complement: AHI1 is on the minus strand). VCF-style: chr6-135467615-T-C. GRCh37 (hg19) VCF-style: chr6-135788753-T-C.
Other names: c.155A>G, p.Asn52Ser (NM_001134830.2, NM_001134832.2, NM_001350503.2 and 2 more transcripts); short protein forms N52S.
Identifiers: ClinVar variation 1982535 (VCV001982535.3), dbSNP rs751308774, ClinGen allele CA4012905.

ClinVar aggregate classification (germline): Uncertain significance (1 of 4 stars; one submission).

Conditions:
Joubert syndrome. Also called: CEREBELLOPARENCHYMAL DISORDER IV; JOUBERT-BOLTSHAUSER SYNDROME; Familial aplasia of the vermis. Identifiers: Orphanet 475, MedGen C5979921, MONDO:0018772.

Allele frequency attached by ClinVar (database versions not stated): gnomAD exomes below 0.00001; TOPMed below 0.00001; ExAC 0.00001.
gnomAD v4.1: 2 of 1,608,812 alleles (0.00012%); highest among the groups gnomAD compares: Non-Finnish European, 0.00017%; no homozygotes.

Submission:

Labcorp Genetics (formerly Invitae), Labcorp
Classification: Uncertain significance for Joubert syndrome. Last evaluated: 2022-02-11. Review status: criteria provided, single submitter. Criteria: Invitae Variant Classification Sherloc (09022015). Collection method: clinical testing. Allele origin: germline.
Comment: In summary, the available evidence is currently insufficient to determine the role of this variant in disease. Therefore, it has been classified as a Variant of Uncertain Significance. Advanced modeling of protein sequence and biophysical properties (such as structural, functional, and spatial information, amino acid conservation, physicochemical variation, residue mobility, and thermodynamic stability) performed at Invitae indicates that this missense variant is not expected to disrupt AHI1 protein function. This variant has not been reported in the literature in individuals affected with AHI1-related conditions. This variant is present in population databases (rs751308774, gnomAD 0.0009%). This sequence change replaces asparagine, which is neutral and polar, with serine, which is neutral and polar, at codon 52 of the AHI1 protein (p.Asn52Ser).